The following is an entry in ClinVar:

NM_001378454.1(ALMS1):c.9214G>C (p.Asp3072His)

Gene: ALMS1 (ALMS1 centrosome and basal body associated protein; plus strand). Cytogenetic location: 2p13.1.
Variant type: single nucleotide variant.
Coding change: c.9214G>C on transcript NM_001378454.1 (MANE Select); coding-DNA position 9214, G replaced by C.
Protein change: p.Asp3072His; replaces aspartic acid 3072 with histidine.
Molecular consequence: missense variant.
Genome position (GRCh38, 1-based): chr2:73,491,173, G>C. VCF-style: chr2-73491173-G-C. GRCh37 (hg19) VCF-style: chr2-73718300-G-C.
Other names: c.9217G>C, p.Asp3073His (NM_015120.4); short protein forms D3073H, D3072H.
Identifiers: ClinVar variation 1524896 (VCV001524896.8), dbSNP rs1022898016, ClinGen allele CA50380214.

ClinVar aggregate classification (germline): Uncertain significance. Review status: criteria provided, multiple submitters, no conflicts (2 of 4 stars). 4 submissions from 4 submitters: Uncertain significance (4). Last evaluated 2025-11-10.

Conditions:
Cardiovascular phenotype. Identifiers: MedGen CN230736.
Alstrom syndrome (ALMS). Identifiers: Orphanet 64, MedGen C0268425, MONDO:0008763, OMIM 203800.

Allele frequency attached by ClinVar (database versions not stated): gnomAD exomes below 0.00001; gnomAD 0.00001; TOPMed 0.00002.
gnomAD v4.1: 8 of 1,614,000 alleles (0.0005%); highest among the groups gnomAD compares: South Asian, 0.0011%; no homozygotes.

Submissions (4):

Ambry Genetics
Classification: Uncertain significance for Cardiovascular phenotype. Last evaluated: 2025-11-10. Review status: criteria provided, single submitter. Criteria: Ambry Variant Classification Scheme 2023. Collection method: clinical testing. Allele origin: germline.
Comment: The p.D3073H variant (also known as c.9217G>C), located in coding exon 10 of the ALMS1 gene, results from a G to C substitution at nucleotide position 9217. The aspartic acid at codon 3073 is replaced by histidine, an amino acid with similar properties. This amino acid position is highly conserved in available vertebrate species. In addition, the in silico prediction for this alteration is inconclusive. Based on the available evidence, the clinical significance of this variant remains unclear.

Labcorp Genetics (formerly Invitae), Labcorp
Classification: Uncertain significance for Alstrom syndrome. Last evaluated: 2024-01-15. Review status: criteria provided, single submitter. Criteria: Invitae Variant Classification Sherloc (09022015). Collection method: clinical testing. Allele origin: germline.
Comment: This sequence change replaces aspartic acid, which is acidic and polar, with histidine, which is basic and polar, at codon 3073 of the ALMS1 protein (p.Asp3073His). This variant is present in population databases (no rsID available, gnomAD 0.002%). This variant has not been reported in the literature in individuals affected with ALMS1-related conditions. ClinVar contains an entry for this variant (Variation ID: 1524896). Experimental studies and prediction algorithms are not available or were not evaluated, and the functional significance of this variant is currently unknown. In summary, the available evidence is currently insufficient to determine the role of this variant in disease. Therefore, it has been classified as a Variant of Uncertain Significance.

Fulgent Genetics
Classification: Uncertain significance for Alstrom syndrome. Last evaluated: 2021-11-22. Review status: criteria provided, single submitter. Criteria: ACMG Guidelines, 2015. Collection method: clinical testing. Allele origin: unknown.

Blueprint Genetics
Classification: Uncertain significance. Last evaluated: 2018-07-19. Review status: criteria provided, single submitter. Criteria: ACMG Guidelines, 2015. Collection method: clinical testing. Allele origin: germline.